The following is an entry in ClinVar:

NM_001080414.4(CCDC88C):c.5428G>A (p.Ala1810Thr)

Gene: CCDC88C (coiled-coil and HOOK domain protein 88C; minus strand). Cytogenetic location: 14q32.11.
Variant type: single nucleotide variant.
Coding change: c.5428G>A on transcript NM_001080414.4 (MANE Select); coding-DNA position 5428, G replaced by A.
Protein change: p.Ala1810Thr; replaces alanine 1810 with threonine.
Molecular consequence: missense variant. On other transcripts: non-coding transcript variant (2).
Genome position (GRCh38, 1-based): chr14:91,273,284, C>T on the plus strand (G>A on the coding strand, the complement: CCDC88C is on the minus strand). VCF-style: chr14-91273284-C-T. GRCh37 (hg19) VCF-style: chr14-91739628-C-T.
Other names: short protein forms A1810T.
Identifiers: ClinVar variation 4538134 (VCV004538134.1).
Genomic context (GRCh38, chr14:91,273,284, plus strand): 5'-CCAGCTTCTGAGGGGACTCCTGTTTGCAGGCCTCTGGCCCGCTGGCCCGGAGAAGGTCAG[C>T]TGAGGCCAGGCTGAAGGCCCGGCTCAAGGAGGCACTGCGGCTGGCAGGTGCATGGGAAGC-3'
Protein context (NP_001073883.2, residues 1800-1820): SLSRAFSLAS[Ala1810Thr]DLLRASGPEA

ClinVar aggregate classification (germline): Uncertain significance (1 of 4 stars; one submission).

gnomAD v4.1: 6 of 1,559,634 alleles (0.00038%); highest among the groups gnomAD compares: Non-Finnish European, 0.00052%; no homozygotes.

Submission:

GeneDx
Classification: Uncertain significance. Last evaluated: 2025-06-11. Review status: criteria provided, single submitter. Criteria: GeneDx Variant Classification Process June 2021. Collection method: clinical testing. Allele origin: germline. Affected: yes.
Comment: Not observed at significant frequency in large population cohorts (gnomAD); In silico analysis suggests that this missense variant does not alter protein structure/function; Has not been previously published as pathogenic or benign to our knowledge